The following is an entry in ClinVar:

ClinVar aggregate classification (germline): Uncertain significance. Review status: criteria provided, multiple submitters, no conflicts (2 of 4 stars). 2 submissions from 2 submitters: Uncertain significance (2). Last evaluated 2024-01-23.

Conditions:
Inborn genetic diseases. Identifiers: MedGen C0950123, MeSH D030342.

Allele frequency attached by ClinVar (database versions not stated): ExAC 0.00003; gnomAD exomes 0.00004 and 0.00012; gnomAD 0.00005 and 0.00006; TOPMed 0.00006.
gnomAD v4.1: 177 of 1,585,604 alleles (0.011%); highest among the groups gnomAD compares: Non-Finnish European, 0.015%; no homozygotes.

Submissions (2):

Ambry Genetics
Classification: Uncertain significance for Inborn genetic diseases. Last evaluated: 2024-01-23. Review status: criteria provided, single submitter. Criteria: Ambry Variant Classification Scheme 2023. Collection method: clinical testing. Allele origin: germline.

Labcorp Genetics (formerly Invitae), Labcorp
Classification: Uncertain significance. Last evaluated: 2022-08-21. Review status: criteria provided, single submitter. Criteria: Invitae Variant Classification Sherloc (09022015). Collection method: clinical testing. Allele origin: germline.
Comment: This sequence change replaces lysine, which is basic and polar, with arginine, which is basic and polar, at codon 388 of the ERCC6L2 protein (p.Lys388Arg). This variant is present in population databases (rs777663791, gnomAD 0.008%). This variant has not been reported in the literature in individuals affected with ERCC6L2-related conditions. ClinVar contains an entry for this variant (Variation ID: 1375229). Algorithms developed to predict the effect of missense changes on protein structure and function are either unavailable or do not agree on the potential impact of this missense change (SIFT: "Tolerated"; PolyPhen-2: "Not Available"; Align-GVGD: "Class C0"). In summary, the available evidence is currently insufficient to determine the role of this variant in disease. Therefore, it has been classified as a Variant of Uncertain Significance.

NM_020207.7(ERCC6L2):c.1130A>G (p.Lys377Arg)

Gene: ERCC6L2 (ERCC excision repair 6 like 2; plus strand). Cytogenetic location: 9q22.32.
Variant type: single nucleotide variant.
Coding change: c.1130A>G on transcript NM_020207.7 (MANE Select); coding-DNA position 1130, A replaced by G.
Protein change: p.Lys377Arg; replaces lysine 377 with arginine.
Molecular consequence: missense variant. On other transcripts: non-coding transcript variant (1).
Genome position (GRCh38, 1-based): chr9:95,916,406, A>G. VCF-style: chr9-95916406-A-G. GRCh37 (hg19) VCF-style: chr9-98678688-A-G.
Other names: c.1130A>G, p.Lys377Arg (NM_001010895.4, NM_001375291.1, NM_001375292.1 and 2 more transcripts); c.1163A>G (NM_001010895.2); short protein forms K377R.
Identifiers: ClinVar variation 1375229 (VCV001375229.4), dbSNP rs777663791, ClinGen allele CA5139462.